The following is an entry in ClinVar:

ClinVar aggregate classification (germline): Uncertain significance. Review status: criteria provided, multiple submitters, no conflicts (2 of 4 stars). 2 submissions from 2 submitters: Uncertain significance (2). Last evaluated 2025-10-12.

Conditions:
Primary ciliary dyskinesia. Also called: Ciliary dyskinesia. Identifiers: Orphanet 244, MedGen C0008780, MONDO:0016575, HP:0012265.

gnomAD v4.1: 3 of 1,614,068 alleles (0.00019%); highest among the groups gnomAD compares: African/African-American, 0.004%; no homozygotes.

Submissions (2):

Labcorp Genetics (formerly Invitae), Labcorp
Classification: Uncertain significance for Primary ciliary dyskinesia. Last evaluated: 2025-10-12. Review status: criteria provided, single submitter. Criteria: Invitae Variant Classification Sherloc (09022015). Collection method: clinical testing. Allele origin: germline.
Comment: This sequence change replaces threonine, which is neutral and polar, with serine, which is neutral and polar, at codon 583 of the DNAAF2 protein (p.Thr583Ser). This variant is present in population databases (rs532320730, gnomAD 0.01%). This variant has not been reported in the literature in individuals affected with DNAAF2-related conditions. ClinVar contains an entry for this variant (Variation ID: 3502880). Invitae Evidence Modeling of protein sequence and biophysical properties (such as structural, functional, and spatial information, amino acid conservation, physicochemical variation, residue mobility, and thermodynamic stability) indicates that this missense variant is not expected to disrupt DNAAF2 protein function with a negative predictive value of 80%. In summary, the available evidence is currently insufficient to determine the role of this variant in disease. Therefore, it has been classified as a Variant of Uncertain Significance.

Ambry Genetics
Classification: Uncertain significance for Primary ciliary dyskinesia. Last evaluated: 2024-12-05. Review status: criteria provided, single submitter. Criteria: Ambry Variant Classification Scheme 2023. Collection method: clinical testing. Allele origin: germline.

NM_018139.3(DNAAF2):c.1747A>T (p.Thr583Ser)

Gene: DNAAF2 (dynein axonemal assembly factor 2; minus strand). Cytogenetic location: 14q21.3.
Variant type: single nucleotide variant.
Coding change: c.1747A>T on transcript NM_018139.3 (MANE Select); coding-DNA position 1747, A replaced by T.
Protein change: p.Thr583Ser; replaces threonine 583 with serine.
Molecular consequence: missense variant. On other transcripts: intron variant (1).
Genome position (GRCh38, 1-based): chr14:49,633,403, T>A on the plus strand (A>T on the coding strand, the complement: DNAAF2 is on the minus strand). VCF-style: chr14-49633403-T-A. GRCh37 (hg19) VCF-style: chr14-50100121-T-A.
Other names: c.1747A>T, p.Thr583Ser (NM_001083908.2); c.-205+80A>T (NM_001378453.1); short protein forms T583S.
Identifiers: ClinVar variation 3502880 (VCV003502880.2).